The following is an entry in ClinVar:

NM_001371623.1(TCOF1):c.3973dup (p.Glu1325fs)

Gene: TCOF1 (treacle ribosome biogenesis factor 1; plus strand). Cytogenetic location: 5q32.
Variant type: Duplication.
Coding change: c.3973dup on transcript NM_001371623.1 (MANE Select); coding-DNA position 3973, one base duplicated (G; older notation c.3973dupG).
Protein change: p.Glu1325fs; shifts the reading frame from glutamic acid 1325.
Molecular consequence: frameshift variant.
Genome position (GRCh38, 1-based): chr5:150,396,470, G duplicated; the last of 2 consecutive G bases (chr5:150,396,469-150,396,470); duplicating either gives the same sequence. VCF-style (leftmost placement, unchanged base first): chr5-150396468-T-TG. GRCh37 (hg19) VCF-style: chr5-149776031-T-TG.
Other names: c.3739dup, p.Glu1247fs (NM_000356.4); c.3970dup, p.Glu1324fs (NM_001135243.2); c.3859dup, p.Glu1287fs (NM_001135244.2); c.3742dup, p.Glu1248fs (NM_001135245.2); c.3856dup, p.Glu1286fs (NM_001195141.2); c.3970dupG (NM_001135243.1); short protein forms E1324fs, E1287fs, E1248fs, E1247fs, E1286fs, E1325fs.
Identifiers: ClinVar variation 419066 (VCV000419066.5), dbSNP rs1554080460, ClinGen allele CA16618143.

ClinVar aggregate classification (germline): Pathogenic. Review status: criteria provided, multiple submitters, no conflicts (2 of 4 stars). 2 submissions from 2 submitters: Pathogenic (2). Last evaluated 2016-03-15.

Submissions (2):

Center for Personalized Medicine, Children's Hospital Los Angeles
Classification: Pathogenic. Last evaluated: 2016-03-15. Review status: criteria provided, single submitter. Criteria: ACMG Guidelines, 2015. Collection method: clinical testing. Allele origin: germline. Affected: yes.

GeneDx
Classification: Pathogenic. Last evaluated: 2015-05-14. Review status: criteria provided, single submitter. Criteria: GeneDx Variant Classification (06012015). Collection method: clinical testing. Allele origin: germline. Affected: yes.
Comment: The c.3970dupG duplication in the TCOF1 gene is predicted to cause loss of normal protein function either through protein truncation or nonsense-mediated mRNA decay. The c.3970dupG variant wasnot observed in approximately 6,500 individuals of European and African American ancestry in the NHLBIExome Sequencing Project, indicating it is not a common benign variant in these populations. Although thisvariant has not been previously reported to our knowledge, we interpret it as pathogenic.